The following is an entry in ClinVar:

ClinVar aggregate classification (germline): Likely pathogenic (1 of 4 stars; one submission).

Conditions:
Leukodystrophy, hypomyelinating, 8, with or without oligodontia and/or hypogonadotropic hypogonadism. Also called: Hypomyelinating leukodystrophy 8 with or without oligodontia and-or hypogonadotropic hypogonadism; Endosteal sclerosis-cerebellar hypoplasia syndrome; LEUKODYSTROPHY, HYPOMYELINATING, 8, WITH HYPODONTIA AND HYPOGONADOTROPIC HYPOGONADISM. Identifiers: Orphanet 85186, Orphanet 88637, MedGen C3280644, MONDO:0013722, OMIM 614381.

gnomAD v4.1: 1 of 1,613,850 alleles (0.000062%); highest among the groups gnomAD compares: Non-Finnish European, 0.000085%; no homozygotes.

Submission:

Molecular Genetics Laboratory, Motol Hospital
Classification: Likely pathogenic for Leukodystrophy, hypomyelinating, 8, with or without oligodontia and/or hypogonadotropic hypogonadism. Last evaluated: 2026-09-04. Review status: criteria provided, single submitter. Criteria: ACMG Guidelines, 2015. Collection method: clinical testing. Allele origin: germline. Inheritance: Autosomal recessive inheritance. Affected: yes. Observed: 1 variant allele, 1 compound heterozygote.
Comment: Rare variant present in non-Finnish European population (1x heterozygous, 1/1179756, gnomAD v4.1.1). Rare homozygous or compound heterozygous variants in the POLR3B gene are associated with autosomal recessive hypomyelinating leukodystrophy-8 (HLD8). The variant is classified as likely pathogenic (ACMG PP4, PM3, PM2, PP2, PP3).

Literature cited by the submitters: PubMed 22036172; PubMed 26478204; NCBI Bookshelf NBK99167.

NM_018082.6(POLR3B):c.1496T>A (p.Met499Lys)

Gene: POLR3B (RNA polymerase III subunit B; plus strand). Cytogenetic location: 12q23.3.
Variant type: single nucleotide variant.
Coding change: c.1496T>A on transcript NM_018082.6 (MANE Select); coding-DNA position 1496, T replaced by A.
Protein change: p.Met499Lys; replaces methionine 499 with lysine.
Molecular consequence: missense variant.
Genome position (GRCh38, 1-based): chr12:106,432,349, T>A. VCF-style: chr12-106432349-T-A. GRCh37 (hg19) VCF-style: chr12-106826127-T-A.
Other names: c.1322T>A, p.Met441Lys (NM_001160708.2); short protein forms M441K, M499K.
Identifiers: ClinVar variation 5016484 (VCV005016484.1).